The following is an entry in ClinVar:

ClinVar aggregate classification (germline): Uncertain significance. Review status: criteria provided, multiple submitters, no conflicts (2 of 4 stars). 4 submissions from 4 submitters: Uncertain significance (4). Last evaluated 2025-06-11.

Conditions:
Inborn genetic diseases. Identifiers: MedGen C0950123, MeSH D030342.
Van Maldergem syndrome 1 (VMLDS1). Also called: Van Maldergem syndrome 1 (VMLDS1). Identifiers: Orphanet 314679, MedGen C4551950, MONDO:0011070, OMIM 601390.

Allele frequency attached by ClinVar (database versions not stated): ExAC 0.00011; gnomAD 0.00012; TOPMed 0.00014; ESP Exome Variant Server 0.00023.
gnomAD v4.1: 39 of 1,593,096 alleles (0.0024%); highest among the groups gnomAD compares: African/African-American, 0.043%; no homozygotes.

Submissions (4):

Labcorp Genetics (formerly Invitae), Labcorp
Classification: Uncertain significance. Last evaluated: 2025-06-11. Review status: criteria provided, single submitter. Criteria: Invitae Variant Classification Sherloc (09022015). Collection method: clinical testing. Allele origin: germline.
Comment: This sequence change replaces arginine, which is basic and polar, with glutamine, which is neutral and polar, at codon 2962 of the DCHS1 protein (p.Arg2962Gln). This variant is present in population databases (rs145316650, gnomAD 0.05%). This variant has not been reported in the literature in individuals affected with DCHS1-related conditions. ClinVar contains an entry for this variant (Variation ID: 2409650). Invitae Evidence Modeling of protein sequence and biophysical properties (such as structural, functional, and spatial information, amino acid conservation, physicochemical variation, residue mobility, and thermodynamic stability) indicates that this missense variant is not expected to disrupt DCHS1 protein function with a negative predictive value of 95%. In summary, the available evidence is currently insufficient to determine the role of this variant in disease. Therefore, it has been classified as a Variant of Uncertain Significance.

Clinical Genomics Laboratory, Washington University in St. Louis
Classification: Uncertain significance for Van Maldergem syndrome 1. Last evaluated: 2025-02-19. Review status: criteria provided, single submitter. Criteria: ACMG Guidelines, 2015. Collection method: clinical testing. Allele origin: germline.
Comment: A DCHS1 c.8885G>A (p.Arg2962Gln) variant was identified at a heterozygous allelic fraction of 50.1%, a frequency which may be consistent with germline origin. This variant, to our knowledge, has not been reported in the medical literature but has been reported in the ClinVar database as a germline variant of uncertain significance by two submitters (ClinVar variation ID: 2409650). It occurs on 39/1,593,096 alleles in the general population (gnomAD v4.1.0), indicating it is not a common variant. Computational predictors suggest that the variant does not impact DCHS1 function. Due to limited information, and based on ACMG/AMP guidelines for variant interpretation (Richards S et al., PMID: 25741868), the clinical significance of this variant is uncertain at this time.

GeneDx
Classification: Uncertain significance. Last evaluated: 2023-03-05. Review status: criteria provided, single submitter. Criteria: GeneDx Variant Classification Process June 2021. Collection method: clinical testing. Allele origin: germline. Affected: yes.
Comment: In silico analysis supports that this missense variant does not alter protein structure/function; Has not been previously published as pathogenic or benign to our knowledge

Ambry Genetics
Classification: Uncertain significance for Inborn genetic diseases. Last evaluated: 2022-12-05. Review status: criteria provided, single submitter. Criteria: Ambry Variant Classification Scheme 2023. Collection method: clinical testing. Allele origin: germline.

NM_003737.4(DCHS1):c.8885G>A (p.Arg2962Gln)

Gene: DCHS1 (dachsous cadherin-related 1; minus strand). Cytogenetic location: 11p15.4.
Variant type: single nucleotide variant.
Coding change: c.8885G>A on transcript NM_003737.4 (MANE Select); coding-DNA position 8885, G replaced by A.
Protein change: p.Arg2962Gln; replaces arginine 2962 with glutamine.
Molecular consequence: missense variant.
Genome position (GRCh38, 1-based): chr11:6,622,791, C>T on the plus strand (G>A on the coding strand, the complement: DCHS1 is on the minus strand). VCF-style: chr11-6622791-C-T. GRCh37 (hg19) VCF-style: chr11-6644022-C-T.
Other names: c.8885G>A (NM_003737.3); short protein forms R2962Q.
Identifiers: ClinVar variation 2409650 (VCV002409650.5), dbSNP rs145316650, ClinGen allele CA5859342.